The following is an entry in ClinVar:

NM_003640.5(ELP1):c.2086C>T (p.Arg696Trp)

Gene: ELP1 (elongator acetyltransferase complex subunit 1; minus strand). Cytogenetic location: 9q31.3.
Variant type: single nucleotide variant.
Coding change: c.2086C>T on transcript NM_003640.5 (MANE Select); coding-DNA position 2086, C replaced by T.
Protein change: p.Arg696Trp; replaces arginine 696 with tryptophan.
Molecular consequence: missense variant.
Genome position (GRCh38, 1-based): chr9:108,900,304, G>A on the plus strand (C>T on the coding strand, the complement: ELP1 is on the minus strand). VCF-style: chr9-108900304-G-A. GRCh37 (hg19) VCF-style: chr9-111662584-G-A.
Other names: c.1744C>T, p.Arg582Trp (NM_001318360.2); c.1039C>T, p.Arg347Trp (NM_001330749.2); short protein forms R582W, R696W, R347W.
Identifiers: ClinVar variation 968116 (VCV000968116.8), dbSNP rs771647322, ClinGen allele CA5174779.

ClinVar aggregate classification (germline): Uncertain significance. Review status: criteria provided, single submitter (1 of 4 stars). 2 submissions from 2 submitters: Uncertain significance (1). 1 of the submissions does not count toward it. Last evaluated 2024-05-13.

Conditions:
Familial dysautonomia. Also called: HSAN III; FD. Identifiers: Orphanet 1764, MedGen C0013364, MONDO:0009131, OMIM 223900. Disease mechanism: loss of function.

Allele frequency attached by ClinVar (database versions not stated): TOPMed below 0.00001; ExAC 0.00001; gnomAD 0.00001 and 0.00002; gnomAD exomes 0.00001 and 0.00002.
gnomAD v4.1: 16 of 1,613,964 alleles (0.00099%); highest among the groups gnomAD compares: East Asian, 0.0045%; no homozygotes.

Submissions (2):

Labcorp Genetics (formerly Invitae), Labcorp
Classification: Uncertain significance. Last evaluated: 2024-05-13. Review status: criteria provided, single submitter. Criteria: Invitae Variant Classification Sherloc (09022015). Collection method: clinical testing. Allele origin: germline.
Comment: This sequence change replaces arginine, which is basic and polar, with tryptophan, which is neutral and slightly polar, at codon 696 of the ELP1 protein (p.Arg696Trp). This variant is present in population databases (rs771647322, gnomAD 0.005%). This variant has not been reported in the literature in individuals affected with ELP1-related conditions. ClinVar contains an entry for this variant (Variation ID: 968116). Advanced modeling of protein sequence and biophysical properties (such as structural, functional, and spatial information, amino acid conservation, physicochemical variation, residue mobility, and thermodynamic stability) performed at Invitae indicates that this missense variant is expected to disrupt ELP1 protein function with a positive predictive value of 80%. This variant disrupts the p.Arg696 amino acid residue in ELP1. Other variant(s) that disrupt this residue have been determined to be pathogenic (PMID: 11179008, 11179021, 12116234). This suggests that this residue is clinically significant, and that variants that disrupt this residue are likely to be disease-causing. In summary, the available evidence is currently insufficient to determine the role of this variant in disease. Therefore, it has been classified as a Variant of Uncertain Significance.

Natera, Inc.
Classification: Uncertain significance for Familial dysautonomia. Last evaluated: 2020-01-14. Review status: no assertion criteria provided. Collection method: clinical testing. Allele origin: germline. Not counted in ClinVar's aggregate classification.

Literature cited by the submitters: PubMed 11179008 (cited by Labcorp Genetics (formerly Invitae), Labcorp); PubMed 11179021 (cited by Labcorp Genetics (formerly Invitae), Labcorp); PubMed 12116234 (cited by Labcorp Genetics (formerly Invitae), Labcorp).